The following is an entry in ClinVar:

NM_004336.5(BUB1):c.3063G>T (p.Arg1021Ser)

Gene: BUB1 (BUB1 mitotic checkpoint serine/threonine kinase; minus strand). Cytogenetic location: 2q13.
Variant type: single nucleotide variant.
Coding change: c.3063G>T on transcript NM_004336.5 (MANE Select); coding-DNA position 3063, G replaced by T.
Protein change: p.Arg1021Ser; replaces arginine 1021 with serine.
Molecular consequence: missense variant.
Genome position (GRCh38, 1-based): chr2:110,638,159, C>A on the plus strand (G>T on the coding strand, the complement: BUB1 is on the minus strand). VCF-style: chr2-110638159-C-A. GRCh37 (hg19) VCF-style: chr2-111395736-C-A.
Other names: c.3003G>T, p.Arg1001Ser (NM_001278616.2); c.2892G>T, p.Arg964Ser (NM_001278617.2); short protein forms R964S, R1001S, R1021S.
Identifiers: ClinVar variation 1799400 (VCV001799400.3), dbSNP rs201215781, ClinGen allele CA348088645.

ClinVar aggregate classification (germline): Uncertain significance (1 of 4 stars; one submission).

Allele frequency attached by ClinVar (database versions not stated): gnomAD exomes 0.00001.
gnomAD v4.1: 7 of 1,585,954 alleles (0.00044%); highest among the groups gnomAD compares: South Asian, 0.0012%; no homozygotes.

Submission:

Ambry Genetics
Classification: Uncertain significance. Last evaluated: 2024-05-15. Review status: criteria provided, single submitter. Criteria: Ambry Variant Classification Scheme 2023. Collection method: clinical testing. Allele origin: germline.
Comment: The p.R1021S variant (also known as c.3063G>T) is located in coding exon 25 of the BUB1 gene. The arginine at codon 1021 is replaced by serine, an amino acid with dissimilar properties. This change occurs in the first base pair of coding exon 25. This amino acid position is conserved. In addition, the in silico prediction for this alteration is inconclusive. Since supporting evidence is limited at this time, the clinical significance of this alteration remains unclear.